The following is an entry in ClinVar:

ClinVar aggregate classification (germline): Uncertain significance. Review status: criteria provided, multiple submitters, no conflicts (2 of 4 stars). 2 submissions from 2 submitters: Uncertain significance (2). Last evaluated 2025-08-06.

Conditions:
Neuroblastoma, susceptibility to, 3. Also called: ALK-Related Neuroblastic Tumor Susceptibility. Identifiers: Orphanet 635, MedGen C2751681, MONDO:0013083, OMIM 613014.
Hereditary cancer-predisposing syndrome. Also called: Hereditary neoplastic syndrome; Neoplastic Syndromes, Hereditary; Tumor predisposition; Hereditary Cancer Syndrome. Identifiers: Orphanet 140162, MedGen C0027672, MeSH D009386, MONDO:0015356.

Allele frequency attached by ClinVar (database versions not stated): gnomAD exomes below 0.00001; TOPMed below 0.00001; gnomAD 0.00001.
gnomAD v4.1: 2 of 1,614,026 alleles (0.00012%); highest among the groups gnomAD compares: Admixed American, 0.0017%; no homozygotes.

Submissions (2):

Labcorp Genetics (formerly Invitae), Labcorp
Classification: Uncertain significance for Neuroblastoma, susceptibility to, 3. Last evaluated: 2025-08-06. Review status: criteria provided, single submitter. Criteria: Invitae Variant Classification Sherloc (09022015). Collection method: clinical testing. Allele origin: germline.
Comment: This sequence change replaces histidine, which is basic and polar, with tyrosine, which is neutral and polar, at codon 384 of the ALK protein (p.His384Tyr). This variant is not present in population databases (gnomAD no frequency). This variant has not been reported in the literature in individuals affected with ALK-related conditions. ClinVar contains an entry for this variant (Variation ID: 1006168). An algorithm developed to predict the effect of missense changes on protein structure and function outputs the following: PolyPhen-2: "Benign". The tyrosine amino acid residue is found in multiple mammalian species, which suggests that this missense change does not adversely affect protein function. In summary, the available evidence is currently insufficient to determine the role of this variant in disease. Therefore, it has been classified as a Variant of Uncertain Significance.

Ambry Genetics
Classification: Uncertain significance for Hereditary cancer-predisposing syndrome. Last evaluated: 2024-10-31. Review status: criteria provided, single submitter. Criteria: Ambry Variant Classification Scheme 2023. Collection method: clinical testing. Allele origin: germline.
Comment: The p.H384Y variant (also known as c.1150C>T), located in coding exon 4 of the ALK gene, results from a C to T substitution at nucleotide position 1150. The histidine at codon 384 is replaced by tyrosine, an amino acid with similar properties. This amino acid position is conserved. In addition, this alteration is predicted to be tolerated by in silico analysis. Based on the available evidence, the clinical significance of this variant remains unclear.

NM_004304.5(ALK):c.1150C>T (p.His384Tyr)

Gene: ALK (ALK receptor tyrosine kinase; minus strand). Cytogenetic location: 2p23.2.
Variant type: single nucleotide variant.
Coding change: c.1150C>T on transcript NM_004304.5 (MANE Select); coding-DNA position 1150, C replaced by T.
Protein change: p.His384Tyr; replaces histidine 384 with tyrosine.
Molecular consequence: missense variant.
Genome position (GRCh38, 1-based): chr2:29,531,919, G>A on the plus strand (C>T on the coding strand, the complement: ALK is on the minus strand). VCF-style: chr2-29531919-G-A. GRCh37 (hg19) VCF-style: chr2-29754785-G-A.
Other names: c.1150C>T (NM_004304.4); short protein forms H384Y.
Identifiers: ClinVar variation 1006168 (VCV001006168.9), dbSNP rs1243305009, ClinGen allele CA346587171.
Genomic context (GRCh38, chr2:29,531,919, plus strand): 5'-ACCAAAAGCCAAATCACCTGGTATAAAATCAATTTTGGACATGGAGAAGTACTTACCCAT[G>A]CTTCCCTGGAGTGGGCATCAGGAGGATCTCTCTTGCAGCCTCGTTGTGGGGCAGCAGCTG-3'
Protein context (NP_004295.2, residues 374-394): EILLMPTPGK[His384Tyr]GWTVLQGRIG